The following is an entry in ClinVar:

NM_004204.5(PIGQ):c.1116C>T (p.His372=)

Gene: PIGQ (phosphatidylinositol glycan anchor biosynthesis class Q; plus strand). Cytogenetic location: 16p13.3.
Variant type: single nucleotide variant.
Coding change: c.1116C>T on transcript NM_004204.5 (MANE Select); coding-DNA position 1116, C replaced by T.
Protein change: p.His372=; no amino-acid change (histidine 372 retained).
Molecular consequence: synonymous variant.
Genome position (GRCh38, 1-based): chr16:578,831, C>T. VCF-style: chr16-578831-C-T. GRCh37 (hg19) VCF-style: chr16-628831-C-T.
Other names: c.1116C>T, p.His372= (NM_148920.4).
Identifiers: ClinVar variation 526288 (VCV000526288.41), dbSNP rs148430693, ClinGen allele CA7780123.

ClinVar aggregate classification (germline): Likely benign. Review status: criteria provided, multiple submitters, no conflicts (2 of 4 stars). 4 submissions from 4 submitters: Likely benign (4). Last evaluated 2026-01-28.

Conditions:
Epilepsy. Also called: Seizure disorder. Identifiers: MedGen C0014544, MeSH D004827, MONDO:0005027.
PIGQ-related disorder. Also called: PIGQ-related condition.

Allele frequency attached by ClinVar (database versions not stated): ESP Exome Variant Server 0.00008; gnomAD exomes 0.00037 and 0.00048; ExAC 0.00043; gnomAD 0.00048 and 0.00051; 1000 Genomes Project 30x 0.00078; TOPMed 0.00058; 1000 Genomes Project 0.00060.
gnomAD v4.1: 777 of 1,613,812 alleles (0.048%); highest among the groups gnomAD compares: Admixed American, 0.082%; 1 homozygote.

Submissions (4):

Labcorp Genetics (formerly Invitae), Labcorp
Classification: Likely benign for Epilepsy. Last evaluated: 2026-01-28. Review status: criteria provided, single submitter. Criteria: Invitae Variant Classification Sherloc (09022015). Collection method: clinical testing. Allele origin: germline.

CeGaT Center for Human Genetics Tuebingen
Classification: Likely benign. Last evaluated: 2025-11-01. Review status: criteria provided, single submitter. Criteria: CeGaT Center For Human Genetics Tuebingen Variant Classification Criteria Version 2. Collection method: clinical testing. Allele origin: germline. Affected: yes. Observed: 8 variant alleles.
Comment: PIGQ: BP4, BP7

PreventionGenetics, part of Exact Sciences
Classification: Likely benign for PIGQ-related condition. Last evaluated: 2025-07-31. Review status: criteria provided, single submitter. Criteria: ACMG Guidelines, 2015. Collection method: clinical testing. Allele origin: germline.
Comment: This variant is classified as likely benign based on ACMG/AMP sequence variant interpretation guidelines (Richards et al. 2015 PMID: 25741868, with internal and published modifications).

Blueprint Genetics
Classification: Likely benign. Last evaluated: 2024-11-26. Review status: criteria provided, single submitter. Criteria: ACMG Guidelines, 2015. Collection method: clinical testing. Allele origin: germline.